The following is an entry in ClinVar:

ClinVar aggregate classification (germline): Uncertain significance. Review status: criteria provided, multiple submitters, no conflicts (2 of 4 stars). 2 submissions from 2 submitters: Uncertain significance (2). Last evaluated 2025-03-31.

Conditions:
Colorectal cancer, hereditary nonpolyposis, type 7. Identifiers: Orphanet 144, MedGen C1858380, MONDO:0013725, OMIM 614385.

Submissions (2):

Ambry Genetics
Classification: Uncertain significance. Last evaluated: 2025-03-31. Review status: criteria provided, single submitter. Criteria: Ambry Variant Classification Scheme 2023. Collection method: clinical testing. Allele origin: germline.
Comment: The p.L603F variant (also known as c.1809A>C), located in coding exon 1 of the MLH3 gene, results from an A to C substitution at nucleotide position 1809. The leucine at codon 603 is replaced by phenylalanine, an amino acid with highly similar properties. This amino acid position is conserved. In addition, this alteration is predicted to be tolerated by in silico analysis. Based on the available evidence, the clinical significance of this variant remains unclear.

Labcorp Genetics (formerly Invitae), Labcorp
Classification: Uncertain significance for Colorectal cancer, hereditary nonpolyposis, type 7. Last evaluated: 2024-11-03. Review status: criteria provided, single submitter. Criteria: Invitae Variant Classification Sherloc (09022015). Collection method: clinical testing. Allele origin: germline.
Comment: This sequence change replaces leucine, which is neutral and non-polar, with phenylalanine, which is neutral and non-polar, at codon 603 of the MLH3 protein (p.Leu603Phe). This variant is not present in population databases (gnomAD no frequency). This variant has not been reported in the literature in individuals affected with MLH3-related conditions. An algorithm developed to predict the effect of missense changes on protein structure and function (PolyPhen-2) suggests that this variant is likely to be disruptive. In summary, the available evidence is currently insufficient to determine the role of this variant in disease. Therefore, it has been classified as a Variant of Uncertain Significance.

NM_001040108.2(MLH3):c.1809A>C (p.Leu603Phe)

Gene: MLH3 (mutL homolog 3; minus strand). Cytogenetic location: 14q24.3.
Variant type: single nucleotide variant.
Coding change: c.1809A>C on transcript NM_001040108.2 (MANE Select); coding-DNA position 1809, A replaced by C.
Protein change: p.Leu603Phe; replaces leucine 603 with phenylalanine.
Molecular consequence: missense variant.
Genome position (GRCh38, 1-based): chr14:75,047,847, T>G on the plus strand (A>C on the coding strand, the complement: MLH3 is on the minus strand). VCF-style: chr14-75047847-T-G. GRCh37 (hg19) VCF-style: chr14-75514550-T-G.
Other names: c.1809A>C, p.Leu603Phe (NM_014381.3); short protein forms L603F.
Identifiers: ClinVar variation 3724504 (VCV003724504.3).